The following is an entry in ClinVar:

NM_001382430.1(AKT1):c.667C>G (p.Leu223Val)

Gene: AKT1 (AKT serine/threonine kinase 1; minus strand). Cytogenetic location: 14q32.33.
Variant type: single nucleotide variant.
Coding change: c.667C>G on transcript NM_001382430.1 (MANE Select); coding-DNA position 667, C replaced by G.
Protein change: p.Leu223Val; replaces leucine 223 with valine.
Molecular consequence: missense variant.
Genome position (GRCh38, 1-based): chr14:104,773,947, G>C on the plus strand (C>G on the coding strand, the complement: AKT1 is on the minus strand). VCF-style: chr14-104773947-G-C. GRCh37 (hg19) VCF-style: chr14-105240284-G-C.
Other names: c.667C>G, p.Leu223Val (NM_001014431.2, NM_001014432.2, NM_001382431.1 and 3 more transcripts); short protein forms L223V.
Identifiers: ClinVar variation 1754840 (VCV001754840.2), dbSNP rs2542133511, ClinGen allele CA391218858.

ClinVar aggregate classification (germline): Uncertain significance (1 of 4 stars; one submission).

Conditions:
Inborn genetic diseases. Identifiers: MedGen C0950123, MeSH D030342.

Submission:

Ambry Genetics
Classification: Uncertain significance for Inborn genetic diseases. Last evaluated: 2022-04-10. Review status: criteria provided, single submitter. Criteria: Ambry Variant Classification Scheme 2023. Collection method: clinical testing. Allele origin: germline.
Comment: The p.L223V variant (also known as c.667C>G), located in coding exon 7 of the AKT1 gene, results from a C to G substitution at nucleotide position 667. The leucine at codon 223 is replaced by valine, an amino acid with highly similar properties. This amino acid position is conserved. In addition, the in silico prediction for this alteration is inconclusive. Since supporting evidence is limited at this time, the clinical significance of this alteration remains unclear.